The following is an entry in ClinVar:

NM_001278512.2(AP3B2):c.1790G>A (p.Arg597His)

Genes: AP3B2 (adaptor related protein complex 3 subunit beta 2; minus strand), CPEB1-AS1 (CPEB1 antisense RNA 1; plus strand). Cytogenetic location: 15q25.2.
Variant type: single nucleotide variant.
Coding change: c.1790G>A on transcript NM_001278512.2 (MANE Select); coding-DNA position 1790, G replaced by A.
Protein change: p.Arg597His; replaces arginine 597 with histidine.
Molecular consequence: missense variant.
Genome position (GRCh38, 1-based): chr15:82,666,809, C>T on the plus strand (G>A on the coding strand, the complement: AP3B2 is on the minus strand). VCF-style: chr15-82666809-C-T. GRCh37 (hg19) VCF-style: chr15-83335561-C-T.
Other names: c.1694G>A, p.Arg565His (NM_001278511.2); c.1790G>A, p.Arg597His (NM_004644.5); short protein forms R597H, R565H.
Identifiers: ClinVar variation 1907979 (VCV001907979.5), dbSNP rs751411577, ClinGen allele CA273484034.

ClinVar aggregate classification (germline): Uncertain significance (1 of 4 stars; one submission).

Allele frequency attached by ClinVar (database versions not stated): gnomAD 0.00001; gnomAD exomes 0.00001; TOPMed 0.00002.
gnomAD v4.1: 22 of 1,613,850 alleles (0.0014%); highest among the groups gnomAD compares: Non-Finnish European, 0.0018%; no homozygotes.

Submission:

Labcorp Genetics (formerly Invitae), Labcorp
Classification: Uncertain significance. Last evaluated: 2022-05-20. Review status: criteria provided, single submitter. Criteria: Invitae Variant Classification Sherloc (09022015). Collection method: clinical testing. Allele origin: germline.
Comment: This variant is present in population databases (rs751411577, gnomAD 0.0009%). In summary, the available evidence is currently insufficient to determine the role of this variant in disease. Therefore, it has been classified as a Variant of Uncertain Significance. Algorithms developed to predict the effect of missense changes on protein structure and function are either unavailable or do not agree on the potential impact of this missense change (SIFT: "Deleterious"; PolyPhen-2: "Benign"; Align-GVGD: "Class C0"). This variant has not been reported in the literature in individuals affected with AP3B2-related conditions. This sequence change replaces arginine, which is basic and polar, with histidine, which is basic and polar, at codon 597 of the AP3B2 protein (p.Arg597His).